The following is an entry in ClinVar:

ClinVar aggregate classification (germline): Uncertain significance (1 of 4 stars; one submission).

Allele frequency attached by ClinVar (database versions not stated): ExAC 0.00001; gnomAD 0.00001; gnomAD exomes 0.00001; TOPMed 0.00002.
gnomAD v4.1: 20 of 1,610,764 alleles (0.0012%); highest among the groups gnomAD compares: Non-Finnish European, 0.0015%; no homozygotes.

Submission:

Labcorp Genetics (formerly Invitae), Labcorp
Classification: Uncertain significance. Last evaluated: 2023-08-30. Review status: criteria provided, single submitter. Criteria: Invitae Variant Classification Sherloc (09022015). Collection method: clinical testing. Allele origin: germline.
Comment: This sequence change replaces proline, which is neutral and non-polar, with serine, which is neutral and polar, at codon 776 of the TNK2 protein (p.Pro776Ser). In summary, the available evidence is currently insufficient to determine the role of this variant in disease. Therefore, it has been classified as a Variant of Uncertain Significance. An algorithm developed to predict the effect of missense changes on protein structure and function (PolyPhen-2) suggests that this variant is likely to be tolerated. This variant has not been reported in the literature in individuals affected with TNK2-related conditions. The frequency data for this variant in the population databases is considered unreliable, as metrics indicate poor data quality at this position in the gnomAD database.

NM_001382273.1(TNK2):c.2137C>T (p.Pro713Ser)

Gene: TNK2 (tyrosine kinase non receptor 2; minus strand). Cytogenetic location: 3q29.
Variant type: single nucleotide variant.
Coding change: c.2137C>T on transcript NM_001382273.1 (MANE Select); coding-DNA position 2137, C replaced by T.
Protein change: p.Pro713Ser; replaces proline 713 with serine.
Molecular consequence: missense variant. On other transcripts: non-coding transcript variant (15).
Genome position (GRCh38, 1-based): chr3:195,868,161, G>A on the plus strand (C>T on the coding strand, the complement: TNK2 is on the minus strand). VCF-style: chr3-195868161-G-A. GRCh37 (hg19) VCF-style: chr3-195595032-G-A.
Other names: c.2233C>T, p.Pro745Ser (NM_001382275.1, NM_001387707.1); c.2092C>T, p.Pro698Ser (NM_001386164.1, NM_001387709.1, NM_001387710.1 and 8 more transcripts); c.2164C>T, p.Pro722Ser (NM_001387708.1, NM_001387715.1); c.2137C>T, p.Pro713Ser (NM_001387716.1, NM_001387717.1, NM_001387718.1 and 1 more transcripts); c.2209C>T, p.Pro737Ser (NM_001010938.2, NM_001382272.1); c.2188C>T, p.Pro730Ser (NM_001308046.2, NM_001382271.1); short protein forms P713S, P745S, P698S, P730S, P737S, P722S.
Identifiers: ClinVar variation 2893710 (VCV002893710.3), dbSNP rs746789643, ClinGen allele CA2776057.